The following is an entry in ClinVar:

ClinVar aggregate classification (germline): Conflicting classifications of pathogenicity. Review status: criteria provided, conflicting classifications (1 of 4 stars). 2 submissions from 2 submitters: Uncertain significance (1); Likely benign (1). Last evaluated 2025-12-15.

Conditions:
Hereditary cancer-predisposing syndrome. Also called: Neoplastic Syndromes, Hereditary; Tumor predisposition; Hereditary Cancer Syndrome; Hereditary neoplastic syndrome. Identifiers: Orphanet 140162, MedGen C0027672, MeSH D009386, MONDO:0015356.

gnomAD v4.1: 1 of 1,612,564 alleles (0.000062%); highest among the groups gnomAD compares: Non-Finnish European, 0.000085%; no homozygotes.

Submissions (2):

Labcorp Genetics (formerly Invitae), Labcorp
Classification: Likely benign. Last evaluated: 2025-12-15. Review status: criteria provided, single submitter. Criteria: Invitae Variant Classification Sherloc (09022015). Collection method: clinical testing. Allele origin: germline.

Ambry Genetics
Classification: Uncertain significance for Hereditary cancer-predisposing syndrome. Last evaluated: 2025-12-09. Review status: criteria provided, single submitter. Criteria: Ambry Variant Classification Scheme 2023. Collection method: clinical testing. Allele origin: germline.
Comment: The c.816-5C>A intronic variant results from a C to A substitution 5 nucleotides upstream from coding exon 6 in the NTHL1 gene. This nucleotide position is well conserved in available vertebrate species. In silico splice site analysis predicts that this alteration will not have any significant effect on splicing. Based on the available evidence, the clinical significance of this variant remains unclear.

NM_002528.7(NTHL1):c.792-5C>A

Gene: NTHL1 (nth like DNA glycosylase 1; minus strand). Cytogenetic location: 16p13.3.
Variant type: single nucleotide variant.
Coding change: c.792-5C>A on transcript NM_002528.7 (MANE Select); 5 bases into the intron before coding-DNA position 792, C replaced by A.
Molecular consequence: intron variant.
Genome position (GRCh38, 1-based): chr16:2,040,052, G>T on the plus strand (C>A on the coding strand, the complement: NTHL1 is on the minus strand). VCF-style: chr16-2040052-G-T. GRCh37 (hg19) VCF-style: chr16-2090053-G-T.
Other names: c.462-5C>A (NM_001318194.2); c.621-5C>A (NM_001318193.2).
Identifiers: ClinVar variation 1762242 (VCV001762242.8), dbSNP rs2150937995, ClinGen allele CA2580090511.
Genomic context (GRCh38, chr16:2,040,052, plus strand): 5'-GACAGGTCTGCTGGCCGAAGCCCACCAAGAGTCCATTGATCTCGTGCCACAGCTCCCTGT[G>T]GGGGTGGGGGCTGGGTCAGTGCTGACAGAGGGCGGGCGGGGTGAGCTCTTCTCCCTAGGA-3'